The following is an entry in ClinVar:

NM_002661.5(PLCG2):c.1916A>G (p.Asn639Ser)

Gene: PLCG2 (phospholipase C gamma 2; plus strand). Cytogenetic location: 16q23.3.
Variant type: single nucleotide variant.
Coding change: c.1916A>G on transcript NM_002661.5 (MANE Select); coding-DNA position 1916, A replaced by G.
Protein change: p.Asn639Ser; replaces asparagine 639 with serine.
Molecular consequence: missense variant.
Genome position (GRCh38, 1-based): chr16:81,910,702, A>G. VCF-style: chr16-81910702-A-G. GRCh37 (hg19) VCF-style: chr16-81944307-A-G.
Other names: short protein forms N639S.
Identifiers: ClinVar variation 778505 (VCV000778505.14), dbSNP rs377753289, ClinGen allele CA8193978.
Genomic context (GRCh38, chr16:81,910,702, plus strand): 5'-AGACGCACCTGCGCTGCGCCGAGTTCGAGCTGCGGCTCACGGACCCTGTGCCCAACCCCA[A>G]CCCCCACGAGTCCAAGCCGTACGTGTCTGAGGGTGGAGCAGGAGGCAGGCGGTGGTCGGG-3'
Protein context (NP_002652.2, residues 629-649): LRLTDPVPNP[Asn639Ser]PHESKPWYYD

ClinVar aggregate classification (germline): Likely benign. Review status: criteria provided, multiple submitters, no conflicts (2 of 4 stars). 4 submissions from 4 submitters: Likely benign (2). 2 of the submissions do not count toward it. Last evaluated 2025-12-23.

Conditions:
PLCG2-related disorder. Also called: PLCG2-related condition.
Clonal Cytopenia of Undetermined Significance. Identifiers: MedGen C5442191.
Familial cold autoinflammatory syndrome 3 (FCAS3). Also called: FAMILIAL ATYPICAL COLD URTICARIA; ANTIBODY DEFICIENCY AND IMMUNE DYSREGULATION, PLCG2-ASSOCIATED. Identifiers: Orphanet 300359, MedGen C3280914, MONDO:0013766, OMIM 614468.

Allele frequency attached by ClinVar (database versions not stated): gnomAD 0.00003; ESP Exome Variant Server 0.00008; ExAC 0.00009; TOPMed 0.00028.
gnomAD v4.1: 146 of 1,608,218 alleles (0.0091%); highest among the groups gnomAD compares: Admixed American, 0.12%; no homozygotes.

Submissions (4):

Labcorp Genetics (formerly Invitae), Labcorp
Classification: Likely benign for Familial cold autoinflammatory syndrome 3. Last evaluated: 2025-12-23. Review status: criteria provided, single submitter. Criteria: Invitae Variant Classification Sherloc (09022015). Collection method: clinical testing. Allele origin: germline.

Blueprint Genetics
Classification: Likely benign. Last evaluated: 2024-10-15. Review status: criteria provided, single submitter. Criteria: ACMG Guidelines, 2015. Collection method: clinical testing. Allele origin: germline.

PreventionGenetics, part of Exact Sciences
Classification: Likely benign for PLCG2-related condition. Last evaluated: 2023-08-11. Review status: no assertion criteria provided. Collection method: clinical testing. Allele origin: germline. Not counted in ClinVar's aggregate classification.
Comment: This variant is classified as likely benign based on ACMG/AMP sequence variant interpretation guidelines (Richards et al. 2015 PMID: 25741868, with internal and published modifications).

Molecular Genetic Pathology Unit, University Of Rochester Medical Center
Classification: Likely benign for Clonal Cytopenia of Undetermined Significance. Last evaluated: 2023-03-14. Review status: no assertion criteria provided. Collection method: clinical testing. Allele origin: germline. Inheritance: Autosomal recessive inheritance. Not counted in ClinVar's aggregate classification.